The following is an entry in ClinVar:

ClinVar aggregate classification (germline): Uncertain significance (1 of 4 stars; one submission).

Conditions:
Breast-ovarian cancer, familial, susceptibility to, 4. Identifiers: Orphanet 145, MedGen C3280345, MONDO:0013669, OMIM 614291.

Submission:

Labcorp Genetics (formerly Invitae), Labcorp
Classification: Uncertain significance for Breast-ovarian cancer, familial, susceptibility to, 4. Last evaluated: 2017-12-11. Review status: criteria provided, single submitter. Criteria: Invitae Variant Classification Sherloc (09022015). Collection method: clinical testing. Allele origin: germline.
Comment: In summary, the available evidence is currently insufficient to determine the role of this variant in disease. Therefore, it has been classified as a Variant of Uncertain Significance. Nucleotide substitutions within the consensus splice site are a relatively common cause of aberrant splicing (PMID: 17576681, 9536098). Algorithms developed to predict the effect of sequence changes on RNA splicing suggest that this variant may disrupt the consensus splice site, but this prediction has not been confirmed by published transcriptional studies. This variant has not been reported in the literature in individuals with RAD51D-related disease. This variant is not present in population databases (ExAC no frequency). This sequence change falls in intron 8 of the RAD51D gene. It does not directly change the encoded amino acid sequence of the RAD51D protein, but it affects a nucleotide within the consensus splice site of the intron.

Literature cited by the submitters: PubMed 17576681; PubMed 9536098.

NM_002878.4(RAD51D):c.739-6del

Genes: RAD51L3-RFFL (RAD51L3-RFFL readthrough; minus strand), RAD51D (RAD51 paralog D; minus strand). Cytogenetic location: 17q12.
Variant type: Deletion.
Coding change: c.739-6del on transcript NM_002878.4 (MANE Select); 6 bases into the intron before coding-DNA position 739, one base deleted (C; older notation c.739-6delC).
Molecular consequence: intron variant.
Genome position (GRCh38, 1-based): chr17:35,101,371, G deleted on the plus strand (C on the coding strand, the reverse complement: RAD51D is on the minus strand). VCF-style (leftmost placement, unchanged base first): chr17-35101370-AG-A. GRCh37 (hg19) VCF-style: chr17-33428389-AG-A.
Other names: c.403-6del (NM_133629.3); c.799-6del (NM_001142571.2); c.739-6delC (NM_002878.3).
Identifiers: ClinVar variation 539857 (VCV000539857.5), dbSNP rs1555567208, ClinGen allele CA658798820.